The following is an entry in ClinVar:

NM_001692.4(ATP6V1B1):c.403A>T (p.Lys135Ter)

Gene: ATP6V1B1 (ATPase H+ transporting V1 subunit B1; plus strand). Cytogenetic location: 2p13.3.
Variant type: single nucleotide variant.
Coding change: c.403A>T on transcript NM_001692.4 (MANE Select); coding-DNA position 403, A replaced by T.
Protein change: p.Lys135Ter; replaces lysine 135 with a stop codon.
Molecular consequence: nonsense.
Genome position (GRCh38, 1-based): chr2:70,959,053, A>T. VCF-style: chr2-70959053-A-T. GRCh37 (hg19) VCF-style: chr2-71186183-A-T.
Other names: short protein forms K135*.
Identifiers: ClinVar variation 2585412 (VCV002585412.4), dbSNP rs2466287299, ClinGen allele CA347181517.

ClinVar aggregate classification (germline): Likely pathogenic. Review status: criteria provided, single submitter (1 of 4 stars). 2 submissions from 1 submitter: Likely pathogenic (2). Last evaluated 2023-06-02.

Conditions:
Renal tubular acidosis with progressive nerve deafness. Also called: Distal Renal Tubular Acidosis with Progressive Sensorineural Deafness; renal tubular acidosis, distal, 2, with progressive sensorineural hearing loss; RENAL TUBULAR ACIDOSIS, AUTOSOMAL RECESSIVE, WITH PROGRESSIVE NERVE DEAFNESS; RTA WITH PROGRESSIVE NERVE DEAFNESS. Identifiers: MedGen C0403554, MONDO:0009968, OMIM 267300.
Renal tubular acidosis, distal, 3, with or without sensorineural hearing loss (DRTA3). Identifiers: MedGen C5399980, MONDO:0011268, OMIM 602722.

Submissions (2):

Neuberg Centre For Genomic Medicine, NCGM
Classification: Likely pathogenic for Renal tubular acidosis, distal, 3, with or without sensorineural hearing loss. Last evaluated: 2023-06-02. Review status: criteria provided, single submitter. Criteria: ACMG Guidelines, 2015. Collection method: clinical testing. Allele origin: germline. Inheritance: Autosomal recessive inheritance. Affected: yes.
Comment: The observed stop gained variant c.403A>T(p.Lys135Ter) in the ATP6V1B1 gene has not been reported previously as a pathogenic variant nor as a benign variant, to our knowledge. This variant is absent in the gnomAD Exomes and 1000 Genomes. This variant is predicted to cause loss of normal protein function either through protein truncation or nonsense-mediated mRNA decay. Loss of function variants have been previously reported to be disease causing (Smith, et al., 2000). Computational evidence (MutationTaster - Disease causing) predicts damaging effect on protein structure and function for this variant. For these reasons, this variant has been classified as Likely Pathogenic.

Neuberg Centre For Genomic Medicine, NCGM
Classification: Likely pathogenic for Renal tubular acidosis with progressive nerve deafness. Review status: criteria provided, single submitter. Criteria: ACMG Guidelines, 2015. Collection method: clinical testing. Allele origin: germline. Inheritance: Autosomal recessive inheritance. Affected: yes.
Comment: The stop gained ATP6V1B1 (p.Lys135Ter) variant has not been reported previously as a pathogenic variant nor as a benign variant, to our knowledge. The variant is novel (not in any individuals) in gnomAD Exomes and 1000 Genomes. The nucleotide change in ATP6V1B1 is predicted as conserved by GERP++ and PhyloP across 100 vertebrates. For these reasons, this variant has been classified as Likely Pathogenic.